The following is an entry in ClinVar:

NM_015662.3(IFT172):c.4703C>T (p.Thr1568Ile)

Genes: KRTCAP3 (keratinocyte associated protein 3; plus strand), IFT172 (intraflagellar transport 172; minus strand). Cytogenetic location: 2p23.3.
Variant type: single nucleotide variant.
Coding change: c.4703C>T on transcript NM_015662.3 (MANE Select); coding-DNA position 4703, C replaced by T.
Protein change: p.Thr1568Ile; replaces threonine 1568 with isoleucine.
Molecular consequence: missense variant. On other transcripts: 3 prime UTR variant (1).
Genome position (GRCh38, 1-based): chr2:27,446,312, G>A on the plus strand (C>T on the coding strand, the complement: IFT172 is on the minus strand). VCF-style: chr2-27446312-G-A. GRCh37 (hg19) VCF-style: chr2-27669179-G-A.
Other names: c.*17G>A (NM_001168364.2); c.4637C>T, p.Thr1546Ile (NM_001410739.1); short protein forms T1568I, T1546I.
Identifiers: ClinVar variation 2124988 (VCV002124988.4), dbSNP rs759979976, ClinGen allele CA1579512.

ClinVar aggregate classification (germline): Uncertain significance (1 of 4 stars; one submission).

Conditions:
Short-rib thoracic dysplasia 10 with or without polydactyly (SRTD10). Identifiers: Orphanet 474, MedGen C3810175, MONDO:0014284, OMIM 615630.
Retinitis pigmentosa 71 (RP71). Identifiers: Orphanet 791, MedGen C4225342, MONDO:0014618, OMIM 616394.

Allele frequency attached by ClinVar (database versions not stated): gnomAD exomes below 0.00001; ExAC 0.00001.
gnomAD v4.1: 1 of 1,614,244 alleles (0.000062%); highest among the groups gnomAD compares: Admixed American, 0.0017%; no homozygotes.

Submission:

Labcorp Genetics (formerly Invitae), Labcorp
Classification: Uncertain significance for Retinitis pigmentosa 71; Short-rib thoracic dysplasia 10 with or without polydactyly. Last evaluated: 2022-04-11. Review status: criteria provided, single submitter. Criteria: Invitae Variant Classification Sherloc (09022015). Collection method: clinical testing. Allele origin: germline.
Comment: Algorithms developed to predict the effect of missense changes on protein structure and function are either unavailable or do not agree on the potential impact of this missense change (SIFT: "Deleterious"; PolyPhen-2: "Benign"; Align-GVGD: "Class C0"). In summary, the available evidence is currently insufficient to determine the role of this variant in disease. Therefore, it has been classified as a Variant of Uncertain Significance. This variant has not been reported in the literature in individuals affected with IFT172-related conditions. This sequence change replaces threonine, which is neutral and polar, with isoleucine, which is neutral and non-polar, at codon 1568 of the IFT172 protein (p.Thr1568Ile). This variant is present in population databases (rs759979976, gnomAD 0.003%).